The following is an entry in ClinVar:

NM_004706.4(ARHGEF1):c.1357C>G (p.Pro453Ala)

Gene: ARHGEF1 (Rho guanine nucleotide exchange factor 1; plus strand). Cytogenetic location: 19q13.2.
Variant type: single nucleotide variant.
Coding change: c.1357C>G on transcript NM_004706.4 (MANE Select); coding-DNA position 1357, C replaced by G.
Protein change: p.Pro453Ala; replaces proline 453 with alanine.
Molecular consequence: missense variant. On other transcripts: non-coding transcript variant (2).
Genome position (GRCh38, 1-based): chr19:41,901,976, C>G. VCF-style: chr19-41901976-C-G. GRCh37 (hg19) VCF-style: chr19-42406126-C-G.
Other names: c.1525C>G, p.Pro509Ala (NM_001396000.1); c.1258C>G, p.Pro420Ala (NM_001396002.1, NM_001396004.1, NM_198977.2); c.1357C>G, p.Pro453Ala (NM_001396003.1, NM_001396006.1); c.1402C>G, p.Pro468Ala (NM_199002.2); short protein forms P453A, P509A, P420A, P468A.
Identifiers: ClinVar variation 1910157 (VCV001910157.6), dbSNP rs919197748, ClinGen allele CA308591163.

ClinVar aggregate classification (germline): Uncertain significance. Review status: criteria provided, multiple submitters, no conflicts (2 of 4 stars). 2 submissions from 2 submitters: Uncertain significance (2). Last evaluated 2024-10-29.

Allele frequency attached by ClinVar (database versions not stated): TOPMed below 0.00001; gnomAD 0.00001.
gnomAD v4.1: 14 of 1,614,034 alleles (0.00087%); highest among the groups gnomAD compares: Middle Eastern, 0.049%; no homozygotes.

Submissions (2):

Labcorp Genetics (formerly Invitae), Labcorp
Classification: Uncertain significance. Last evaluated: 2024-10-29. Review status: criteria provided, single submitter. Criteria: Invitae Variant Classification Sherloc (09022015). Collection method: clinical testing. Allele origin: germline.
Comment: This sequence change replaces proline, which is neutral and non-polar, with alanine, which is neutral and non-polar, at codon 468 of the ARHGEF1 protein (p.Pro468Ala). This variant is not present in population databases (gnomAD no frequency). This variant has not been reported in the literature in individuals affected with ARHGEF1-related conditions. ClinVar contains an entry for this variant (Variation ID: 1910157). An algorithm developed to predict the effect of missense changes on protein structure and function (PolyPhen-2) suggests that this variant is likely to be tolerated. In summary, the available evidence is currently insufficient to determine the role of this variant in disease. Therefore, it has been classified as a Variant of Uncertain Significance.

Blueprint Genetics
Classification: Uncertain significance. Last evaluated: 2024-05-21. Review status: criteria provided, single submitter. Criteria: ACMG Guidelines, 2015. Collection method: clinical testing. Allele origin: germline.